The following is an entry in ClinVar:

NM_002471.4(MYH6):c.5308G>A (p.Glu1770Lys)

Gene: MYH6 (myosin heavy chain 6; minus strand). Cytogenetic location: 14q11.2.
Variant type: single nucleotide variant.
Coding change: c.5308G>A on transcript NM_002471.4 (MANE Select); coding-DNA position 5308, G replaced by A.
Protein change: p.Glu1770Lys; replaces glutamic acid 1770 with lysine.
Molecular consequence: missense variant.
Genome position (GRCh38, 1-based): chr14:23,384,699, C>T on the plus strand (G>A on the coding strand, the complement: MYH6 is on the minus strand). VCF-style: chr14-23384699-C-T. GRCh37 (hg19) VCF-style: chr14-23853908-C-T.
Other names: short protein forms E1770K.
Identifiers: ClinVar variation 3297482 (VCV003297482.3).

ClinVar aggregate classification (germline): Uncertain significance. Review status: criteria provided, multiple submitters, no conflicts (2 of 4 stars). 3 submissions from 3 submitters: Uncertain significance (3). Last evaluated 2025-11-12.

Conditions:
Cardiovascular phenotype. Identifiers: MedGen CN230736.

gnomAD v4.1: 12 of 1,614,256 alleles (0.00074%); highest among the groups gnomAD compares: Non-Finnish European, 0.00093%; no homozygotes.

Submissions (3):

Women's Health and Genetics/Laboratory Corporation of America, LabCorp
Classification: Uncertain significance. Last evaluated: 2025-11-12. Review status: criteria provided, single submitter. Criteria: LabCorp Variant Classification Summary - May 2015. Collection method: clinical testing. Allele origin: germline.

GeneDx
Classification: Uncertain significance. Last evaluated: 2024-09-03. Review status: criteria provided, single submitter. Criteria: GeneDx Variant Classification Process June 2021. Collection method: clinical testing. Allele origin: germline. Affected: yes.
Comment: Has not been previously published as pathogenic or benign to our knowledge; Not observed at significant frequency in large population cohorts (gnomAD); In silico analysis supports that this missense variant has a deleterious effect on protein structure/function

Ambry Genetics
Classification: Uncertain significance for Cardiovascular phenotype. Last evaluated: 2024-04-08. Review status: criteria provided, single submitter. Criteria: Ambry Variant Classification Scheme 2023. Collection method: clinical testing. Allele origin: germline.
Comment: The p.E1770K variant (also known as c.5308G>A), located in coding exon 34 of the MYH6 gene, results from a G to A substitution at nucleotide position 5308. The glutamic acid at codon 1770 is replaced by lysine, an amino acid with similar properties. This amino acid position is conserved. In addition, this alteration is predicted to be deleterious by in silico analysis. Based on the available evidence, the clinical significance of this variant remains unclear.